The following is an entry in ClinVar:

NM_032122.5(DTNBP1):c.740C>T (p.Ser247Leu)

Gene: DTNBP1 (dystrobrevin binding protein 1; minus strand). Cytogenetic location: 6p22.3.
Variant type: single nucleotide variant.
Coding change: c.740C>T on transcript NM_032122.5 (MANE Select); coding-DNA position 740, C replaced by T.
Protein change: p.Ser247Leu; replaces serine 247 with leucine.
Molecular consequence: missense variant. On other transcripts: non-coding transcript variant (1).
Genome position (GRCh38, 1-based): chr6:15,524,597, G>A on the plus strand (C>T on the coding strand, the complement: DTNBP1 is on the minus strand). VCF-style: chr6-15524597-G-A. GRCh37 (hg19) VCF-style: chr6-15524828-G-A.
Other names: c.497C>T, p.Ser166Leu (NM_001271667.2, NM_183041.1); c.689C>T, p.Ser230Leu (NM_001271668.2); c.635C>T, p.Ser212Leu (NM_001271669.2); c.740C>T, p.Ser247Leu (NM_183040.2); short protein forms S166L, S230L, S247L, S212L.
Identifiers: ClinVar variation 1900689 (VCV001900689.2), dbSNP rs775944090, ClinGen allele CA3643907.

ClinVar aggregate classification (germline): Uncertain significance (1 of 4 stars; one submission).

Allele frequency attached by ClinVar (database versions not stated): gnomAD 0.00003; gnomAD exomes 0.00003; TOPMed 0.00004; ExAC 0.00007.
gnomAD v4.1: 53 of 1,613,496 alleles (0.0033%); highest among the groups gnomAD compares: East Asian, 0.02%; no homozygotes.

Submission:

Labcorp Genetics (formerly Invitae), Labcorp
Classification: Uncertain significance. Last evaluated: 2022-07-25. Review status: criteria provided, single submitter. Criteria: Invitae Variant Classification Sherloc (09022015). Collection method: clinical testing. Allele origin: germline.
Comment: This sequence change replaces serine, which is neutral and polar, with leucine, which is neutral and non-polar, at codon 247 of the DTNBP1 protein (p.Ser247Leu). This variant is present in population databases (rs775944090, gnomAD 0.02%). This variant has not been reported in the literature in individuals affected with DTNBP1-related conditions. Algorithms developed to predict the effect of missense changes on protein structure and function (SIFT, PolyPhen-2, Align-GVGD) all suggest that this variant is likely to be disruptive. In summary, the available evidence is currently insufficient to determine the role of this variant in disease. Therefore, it has been classified as a Variant of Uncertain Significance.